The following is an entry in ClinVar:

NM_001371623.1(TCOF1):c.4283C>T (p.Thr1428Met)

Gene: TCOF1 (treacle ribosome biogenesis factor 1; plus strand). Cytogenetic location: 5q32.
Variant type: single nucleotide variant.
Coding change: c.4283C>T on transcript NM_001371623.1 (MANE Select); coding-DNA position 4283, C replaced by T.
Protein change: p.Thr1428Met; replaces threonine 1428 with methionine.
Molecular consequence: missense variant.
Genome position (GRCh38, 1-based): chr5:150,396,780, C>T. VCF-style: chr5-150396780-C-T. GRCh37 (hg19) VCF-style: chr5-149776343-C-T.
Other names: c.4049C>T, p.Thr1350Met (NM_000356.4); c.4280C>T, p.Thr1427Met (NM_001135243.2); c.4169C>T, p.Thr1390Met (NM_001135244.2); c.4052C>T, p.Thr1351Met (NM_001135245.2); c.4166C>T, p.Thr1389Met (NM_001195141.2); short protein forms T1428M, T1351M, T1427M, T1389M, T1390M, T1350M.
Identifiers: ClinVar variation 3702549 (VCV003702549.3).

ClinVar aggregate classification (germline): Conflicting classifications of pathogenicity. Review status: criteria provided, conflicting classifications (1 of 4 stars). 2 submissions from 2 submitters: Uncertain significance (1); Likely benign (1). Last evaluated 2024-10-19.

Conditions:
Treacher Collins syndrome 1 (TCS1). Also called: TCOF1-Related Treacher Collins Syndrome. Identifiers: Orphanet 861, MedGen CN315775, MONDO:0007944, OMIM 154500.

gnomAD v4.1: 50 of 1,611,412 alleles (0.0031%); highest among the groups gnomAD compares: Middle Eastern, 0.017%; no homozygotes.

Submissions (2):

Labcorp Genetics (formerly Invitae), Labcorp
Classification: Uncertain significance for Treacher Collins syndrome 1. Last evaluated: 2024-10-19. Review status: criteria provided, single submitter. Criteria: Invitae Variant Classification Sherloc (09022015). Collection method: clinical testing. Allele origin: germline.
Comment: This sequence change replaces threonine, which is neutral and polar, with methionine, which is neutral and non-polar, at codon 1427 of the TCOF1 protein (p.Thr1427Met). This variant is present in population databases (rs15253, gnomAD 0.007%). This variant has not been reported in the literature in individuals affected with TCOF1-related conditions. An algorithm developed to predict the effect of missense changes on protein structure and function outputs the following: PolyPhen-2: "Benign". The methionine amino acid residue is found in multiple mammalian species, which suggests that this missense change does not adversely affect protein function. In summary, the available evidence is currently insufficient to determine the role of this variant in disease. Therefore, it has been classified as a Variant of Uncertain Significance.

Blueprint Genetics
Classification: Likely benign. Last evaluated: 2022-09-09. Review status: criteria provided, single submitter. Criteria: ACMG Guidelines, 2015. Collection method: clinical testing. Allele origin: germline.